The following is an entry in ClinVar:

ClinVar aggregate classification (germline): Likely pathogenic (1 of 4 stars; one submission).

Conditions:
Intellectual developmental disorder, X-linked, syndromic, Houge type. Also called: MENTAL RETARDATION, X-LINKED, SYNDROMIC, HOUGE TYPE; Intellectual disability, X-linked, syndromic, Houge type. Identifiers: MedGen C4538788, MONDO:0030909, OMIM 301008.

Submission:

3billion
Classification: Likely pathogenic for Intellectual developmental disorder, X-linked, syndromic, Houge type. Last evaluated: 2025-05-02. Review status: criteria provided, single submitter. Criteria: ACMG Guidelines, 2015. Collection method: clinical testing. Allele origin: germline. Affected: yes.
Comment: The variant is not observed in the gnomAD v4.1.0 dataset. Predicted Consequence/Location: Stop-gained (nonsense): predicted to result in a loss or disruption of normal protein function through nonsense-mediated decay (NMD) or protein truncation. Multiple pathogenic variants are reported downstream of the variant. Therefore, this variant is classified as Likely pathogenic according to the recommendation of ACMG/AMP guideline.

NM_014927.5(CNKSR2):c.1814G>A (p.Trp605Ter)

Gene: CNKSR2 (connector enhancer of kinase suppressor of Ras 2; plus strand). Cytogenetic location: Xp22.12.
Variant type: single nucleotide variant.
Coding change: c.1814G>A on transcript NM_014927.5 (MANE Select); coding-DNA position 1814, G replaced by A.
Protein change: p.Trp605Ter; replaces tryptophan 605 with a stop codon.
Molecular consequence: nonsense.
Genome position (GRCh38, 1-based): chrX:21,591,178, G>A. VCF-style: chrX-21591178-G-A. GRCh37 (hg19) VCF-style: chrX-21609296-G-A.
Other names: c.1724G>A, p.Trp575Ter (NM_001168647.3, NM_001330773.2); c.1814G>A, p.Trp605Ter (NM_001168648.3); c.1667G>A, p.Trp556Ter (NM_001168649.3, NM_001330770.2); c.1577G>A, p.Trp526Ter (NM_001330771.2, NM_001330772.2); short protein forms W526*, W556*, W575*, W605*.
Identifiers: ClinVar variation 4856328 (VCV004856328.1).